The following is an entry in ClinVar:

ClinVar aggregate classification (germline): Likely pathogenic (1 of 4 stars; one submission).

Submission:

Labcorp Genetics (formerly Invitae), Labcorp
Classification: Likely pathogenic. Last evaluated: 2022-07-28. Review status: criteria provided, single submitter. Criteria: Invitae Variant Classification Sherloc (09022015). Collection method: clinical testing. Allele origin: germline.
Comment: This sequence change affects codon 187 of the ZC4H2 mRNA. It is a 'silent' change, meaning that it does not change the encoded amino acid sequence of the ZC4H2 protein. This variant also falls at the last nucleotide of exon 4, which is part of the consensus splice site for this exon. Variants that disrupt the consensus splice site are a relatively common cause of aberrant splicing (PMID: 17576681, 9536098). Algorithms developed to predict the effect of sequence changes on RNA splicing suggest that this variant is not likely to affect RNA splicing. This variant has been observed in individual(s) with clinical features of Wieacker-Wolff syndrome (Invitae). In at least one individual the variant was observed to be de novo. This variant is not present in population databases (gnomAD no frequency). In summary, the currently available evidence indicates that the variant is pathogenic, but additional data are needed to prove that conclusively. Therefore, this variant has been classified as Likely Pathogenic.

Literature cited by the submitters: PubMed 17576681; PubMed 9536098.

NM_018684.4(ZC4H2):c.561G>A (p.Lys187=)

Gene: ZC4H2 (zinc finger C4H2-type containing; minus strand). Cytogenetic location: Xq11.2.
Variant type: single nucleotide variant.
Coding change: c.561G>A on transcript NM_018684.4 (MANE Select); coding-DNA position 561, G replaced by A.
Protein change: p.Lys187=; no amino-acid change (lysine 187 retained).
Molecular consequence: synonymous variant. On other transcripts: non-coding transcript variant (1), intron variant (1).
Genome position (GRCh38, 1-based): chrX:64,919,042, C>T on the plus strand (G>A on the coding strand, the complement: ZC4H2 is on the minus strand). VCF-style: chrX-64919042-C-T. GRCh37 (hg19) VCF-style: chrX-64138922-C-T.
Other names: c.492G>A, p.Lys164= (NM_001178032.3, NM_001243804.2); c.398+1039G>A (NM_001178033.3).
Identifiers: ClinVar variation 2005072 (VCV002005072.4), dbSNP rs1929057155, ClinGen allele CA516906962.